The following is an entry in ClinVar:

NM_014324.6(AMACR):c.387G>C (p.Leu129Phe)

Genes: AMACR (alpha-methylacyl-CoA racemase; minus strand), C1QTNF3-AMACR (C1QTNF3-AMACR readthrough (NMD candidate); minus strand). Cytogenetic location: 5p13.2.
Variant type: single nucleotide variant.
Coding change: c.387G>C on transcript NM_014324.6 (MANE Select); coding-DNA position 387, G replaced by C.
Protein change: p.Leu129Phe; replaces leucine 129 with phenylalanine.
Molecular consequence: missense variant. On other transcripts: non-coding transcript variant (1).
Genome position (GRCh38, 1-based): chr5:34,005,760, C>G on the plus strand (G>C on the coding strand, the complement: AMACR is on the minus strand). VCF-style: chr5-34005760-C-G. GRCh37 (hg19) VCF-style: chr5-34005865-C-G.
Other names: c.387G>C, p.Leu129Phe (NM_001167595.2, NM_203382.3); short protein forms L129F.
Identifiers: ClinVar variation 1499993 (VCV001499993.7), dbSNP rs917667584, ClinGen allele CA116870861.
Genomic context (GRCh38, chr5:34,005,760, plus strand): 5'-CTGTAGATCTTGATGGAATAAATTAAAAGTGTAGACTAAATTTTTTTTCAACATACCTGA[C>G]AAAGCCAAATAGTTGATATCGTGGCCAGCTAACCGGCAGAAGCTTCCTGACTGGCCAAAT-3'
Protein context (NP_055139.4, residues 119-139): LAGHDINYLA[Leu129Phe]SGVLSKIGRS

ClinVar aggregate classification (germline): Uncertain significance. Review status: criteria provided, multiple submitters, no conflicts (2 of 4 stars). 2 submissions from 2 submitters: Uncertain significance (2). Last evaluated 2025-12-20.

Conditions:
Alpha-methylacyl-CoA racemase deficiency (AMACRD). Also called: AMACR deficiency. Identifiers: Orphanet 79095, MedGen C3280428, MONDO:0013681, OMIM 614307. Disease mechanism: loss of function.

Allele frequency attached by ClinVar (database versions not stated): gnomAD 0.00001 and 0.00002; gnomAD exomes 0.00002.
gnomAD v4.1: 16 of 1,613,858 alleles (0.00099%); highest among the groups gnomAD compares: South Asian, 0.0022%; no homozygotes.

Submissions (2):

Labcorp Genetics (formerly Invitae), Labcorp
Classification: Uncertain significance for Alpha-methylacyl-CoA racemase deficiency. Last evaluated: 2025-12-20. Review status: criteria provided, single submitter. Criteria: Invitae Variant Classification Sherloc (09022015). Collection method: clinical testing. Allele origin: germline.
Comment: This sequence change replaces leucine, which is neutral and non-polar, with phenylalanine, which is neutral and non-polar, at codon 129 of the AMACR protein (p.Leu129Phe). This variant is present in population databases (no rsID available, gnomAD 0.03%). This variant has not been reported in the literature in individuals affected with AMACR-related conditions. ClinVar contains an entry for this variant (Variation ID: 1499993). Invitae Evidence Modeling of protein sequence and biophysical properties (such as structural, functional, and spatial information, amino acid conservation, physicochemical variation, residue mobility, and thermodynamic stability) indicates that this missense variant is not expected to disrupt AMACR protein function with a negative predictive value of 80%. In summary, the available evidence is currently insufficient to determine the role of this variant in disease. Therefore, it has been classified as a Variant of Uncertain Significance.

Blueprint Genetics
Classification: Uncertain significance. Last evaluated: 2023-03-28. Review status: criteria provided, single submitter. Criteria: ACMG Guidelines, 2015. Collection method: clinical testing. Allele origin: germline.